The following is an entry in ClinVar:

NM_000446.7(PON1):c.574C>T (p.Gln192Ter)

Gene: PON1 (paraoxonase 1; minus strand). Cytogenetic location: 7q21.3.
Variant type: single nucleotide variant.
Coding change: c.574C>T on transcript NM_000446.7 (MANE Select); coding-DNA position 574, C replaced by T.
Protein change: p.Gln192Ter; replaces glutamine 192 with a stop codon.
Molecular consequence: nonsense.
Genome position (GRCh38, 1-based): chr7:95,308,135, G>A on the plus strand (C>T on the coding strand, the complement: PON1 is on the minus strand). VCF-style: chr7-95308135-G-A. GRCh37 (hg19) VCF-style: chr7-94937447-G-A.
Other names: short protein forms Q192*.
Identifiers: ClinVar variation 5007246 (VCV005007246.2).
Genomic context (GRCh38, chr7:95,308,135, plus strand): 5'-CACTTGGACTATAGTAGACAACATACGACCACGCTAAACCCAAATACATCTCCCAGGATT[G>A]TAAGTAGGGGTCAAGAAAATAGTGATCATTTGTGCCATAAAAGTGCTCAGGTCCCACAGC-3'

ClinVar aggregate classification (germline): Uncertain significance (1 of 4 stars; one submission).

Conditions:
Microvascular complications of diabetes, susceptibility to, 5. Also called: RETINOPATHY, DIABETIC, SUSCEPTIBILITY TO. Identifiers: MedGen C2674665, MONDO:0012969, OMIM 612633.

gnomAD v4.1: 1 of 1,613,954 alleles (0.000062%); highest among the groups gnomAD compares: African/African-American, 0.0013%; no homozygotes.

Submission:

Juno Genomics, Hangzhou Juno Genomics, Inc
Classification: Uncertain significance for Microvascular complications of diabetes, susceptibility to, 5. Review status: criteria provided, single submitter. Criteria: ACMG Guidelines, 2015. Collection method: clinical testing. Allele origin: germline.
Comment: Absent from controls (or at extremely low frequency if recessive) in Genome Aggregation Database.